The following is an entry in ClinVar:

NM_001451.3(FOXF1):c.326T>C (p.Leu109Pro)

Gene: FOXF1 (forkhead box F1; plus strand). Cytogenetic location: 16q24.1.
Variant type: single nucleotide variant.
Coding change: c.326T>C on transcript NM_001451.3 (MANE Select); coding-DNA position 326, T replaced by C.
Protein change: p.Leu109Pro; replaces leucine 109 with proline.
Molecular consequence: missense variant.
Genome position (GRCh38, 1-based): chr16:86,510,895, T>C. VCF-style: chr16-86510895-T-C. GRCh37 (hg19) VCF-style: chr16-86544501-T-C.
Other names: short protein forms L109P.
Identifiers: ClinVar variation 4740380 (VCV004740380.1).

ClinVar aggregate classification (germline): Uncertain significance (1 of 4 stars; one submission).

Submission:

Labcorp Genetics (formerly Invitae), Labcorp
Classification: Uncertain significance. Last evaluated: 2025-05-11. Review status: criteria provided, single submitter. Criteria: Invitae Variant Classification Sherloc (09022015). Collection method: clinical testing. Allele origin: germline.
Comment: This sequence change replaces leucine, which is neutral and non-polar, with proline, which is neutral and non-polar, at codon 109 of the FOXF1 protein (p.Leu109Pro). This variant is not present in population databases (gnomAD no frequency). This variant has not been reported in the literature in individuals affected with FOXF1-related conditions. Invitae Evidence Modeling of protein sequence and biophysical properties (such as structural, functional, and spatial information, amino acid conservation, physicochemical variation, residue mobility, and thermodynamic stability) has been performed for this missense variant. However, the output from this modeling did not meet the statistical confidence thresholds required to predict the impact of this variant on FOXF1 protein function. In summary, the available evidence is currently insufficient to determine the role of this variant in disease. Therefore, it has been classified as a Variant of Uncertain Significance.